The following is an entry in ClinVar:

NM_003737.4(DCHS1):c.727G>A (p.Val243Met)

Gene: DCHS1 (dachsous cadherin-related 1; minus strand). Cytogenetic location: 11p15.4.
Variant type: single nucleotide variant.
Coding change: c.727G>A on transcript NM_003737.4 (MANE Select); coding-DNA position 727, G replaced by A.
Protein change: p.Val243Met; replaces valine 243 with methionine.
Molecular consequence: missense variant.
Genome position (GRCh38, 1-based): chr11:6,640,887, C>T on the plus strand (G>A on the coding strand, the complement: DCHS1 is on the minus strand). VCF-style: chr11-6640887-C-T. GRCh37 (hg19) VCF-style: chr11-6662118-C-T.
Other names: short protein forms V243M.
Identifiers: ClinVar variation 2415448 (VCV002415448.7), dbSNP rs370993279, ClinGen allele CA217303339.

ClinVar aggregate classification (germline): Uncertain significance. Review status: criteria provided, multiple submitters, no conflicts (2 of 4 stars). 2 submissions from 2 submitters: Uncertain significance (2). Last evaluated 2024-09-23.

Allele frequency attached by ClinVar (database versions not stated): gnomAD exomes 0.00001; TOPMed 0.00003; gnomAD 0.00005; ESP Exome Variant Server 0.00008.
gnomAD v4.1: 30 of 1,613,930 alleles (0.0019%); highest among the groups gnomAD compares: Non-Finnish European, 0.0016%; no homozygotes.

Submissions (2):

Labcorp Genetics (formerly Invitae), Labcorp
Classification: Uncertain significance. Last evaluated: 2024-09-23. Review status: criteria provided, single submitter. Criteria: Invitae Variant Classification Sherloc (09022015). Collection method: clinical testing. Allele origin: germline.
Comment: This sequence change replaces valine, which is neutral and non-polar, with methionine, which is neutral and non-polar, at codon 243 of the DCHS1 protein (p.Val243Met). This variant is present in population databases (rs370993279, gnomAD 0.0009%). This variant has not been reported in the literature in individuals affected with DCHS1-related conditions. ClinVar contains an entry for this variant (Variation ID: 2415448). Invitae Evidence Modeling of protein sequence and biophysical properties (such as structural, functional, and spatial information, amino acid conservation, physicochemical variation, residue mobility, and thermodynamic stability) indicates that this missense variant is not expected to disrupt DCHS1 protein function with a negative predictive value of 80%. In summary, the available evidence is currently insufficient to determine the role of this variant in disease. Therefore, it has been classified as a Variant of Uncertain Significance.

ARUP Laboratories, Molecular Genetics and Genomics, ARUP Laboratories
Classification: Uncertain significance. Review status: criteria provided, single submitter. Criteria: ARUP Molecular Germline Variant Investigation Process 2024. Collection method: clinical testing. Allele origin: germline.